The following continues an entry in ClinVar:

NM_000535.7(PMS2):c.251-2A>T

Gene: PMS2. ClinVar aggregate classification (germline): Pathogenic/Likely pathogenic. Pathogenic (13); Likely pathogenic (2).

Submissions 9 to 19 of 19:

GeneDx
Classification: Pathogenic. Last evaluated: 2022-06-10. Review status: criteria provided, single submitter. Criteria: GeneDx Variant Classification Process June 2021. Collection method: clinical testing. Allele origin: germline. Affected: yes.
Comment: Canonical splice site variant predicted to result in a null allele in a gene for which loss-of-function is a known mechanism of disease; Observed in individuals with a personal or family history consistent with pathogenic variants in this gene (Yurgelun 2015, Wang 2020); Not observed at significant frequency in large population cohorts (gnomAD); This variant is associated with the following publications: (PMID: 25980754, 27779110, 26845104, 29625052, 31992580, 31447099, 32719484, 18602922)

CHEO Genetics Diagnostic Laboratory, Children's Hospital of Eastern Ontario
Classification: Pathogenic for Breast and/or ovarian cancer. Last evaluated: 2021-07-28. Review status: criteria provided, single submitter. Criteria: ACMG Guidelines, 2015. Collection method: clinical testing. Allele origin: germline.

Women's Health and Genetics/Laboratory Corporation of America, LabCorp
Classification: Pathogenic for Hereditary nonpolyposis colon cancer. Last evaluated: 2020-06-22. Review status: criteria provided, single submitter. Criteria: LabCorp Variant Classification Summary - May 2015. Collection method: clinical testing. Allele origin: germline.
Comment: Variant summary: PMS2 c.251-2A>T is located in a canonical splice-site and is predicted to affect mRNA splicing resulting in a significantly altered protein due to either exon skipping, shortening, or inclusion of intronic material. Several computational tools predict a significant impact on normal splicing: Four predict the variant abolishes a 3' acceptor site. However, these predictions have yet to be confirmed by functional studies. The variant allele was found at a frequency of 4.1e-06 in 244282 control chromosomes (gnomAD). c.251-2A>T has been reported in the literature in individuals affected with Hereditary Nonpolyposis Colorectal Cancer (e.g. Yurgelun_2015). These data indicate that the variant is likely to be associated with disease. To our knowledge, no experimental evidence demonstrating an impact on protein function has been reported. Eight ClinVar submitters (evaluation after 2014) cite the variant as pathogenic/likely pathogenic. Based on the evidence outlined above, the variant was classified as pathogenic.

Fulgent Genetics
Classification: Pathogenic for Mismatch repair cancer syndrome 1; Lynch syndrome 4. Last evaluated: 2018-10-31. Review status: criteria provided, single submitter. Criteria: ACMG Guidelines, 2015. Collection method: clinical testing. Allele origin: unknown.

Laboratory for Molecular Medicine, Mass General Brigham Personalized Medicine
Classification: Pathogenic for Lynch syndrome. Last evaluated: 2018-03-09. Review status: criteria provided, single submitter. Criteria: LMM Criteria. Collection method: clinical testing. Allele origin: germline. Observed: 1 variant allele.
Comment: The c.251-2A>T variant in PMS2 has been reported in one individual with suspecte d Lynch syndrome (Yurgelun 2015) and has also been reported by other clinical la boratories in ClinVar (Variation ID# 183893). Additionally, two other variants a t this position (c.251-2A>C, c.251A>G) have been reported in individuals with PM S2-related cancers (Herkert 2011, Senter 2008), one of which has also been class ified as pathogenic on September 5, 2013 by the ClinGen-approved InSiGHT expert panel (ClinVar SCV000108354.2). The c.251A>T variant has also been identified in 1/108456 European chromosomes by the Genome Aggregation Database (gnomAD; dbSNP rs587779340). This frequency is low enough to be consistent with the frequency of Lynch syndrome in the general population. T his variant occurs in the invariant region (+/- 1,2) of the splice consensus seq uence and is predicted to cause altered splicing leading to an abnormal or absen t protein. Heterozygous loss of function of the PMS2 gene is an established dise ase mechanism in individuals with Lynch syndrome. In summary, this variant meets criteria to be classified as pathogenic for Lynch syndrome in an autosomal domi nant manner based upon predicted impact to the protein, very low frequency in th e general population and the presence of a different pathogenic variant at the s ame position. ACMG/AMP criteria applied (Richards 2015): PVS1, PM5, PM2.

HudsonAlpha Institute for Biotechnology
Classification: Pathogenic for Lynch syndrome 4. Last evaluated: 2017-09-14. Review status: criteria provided, single submitter. Criteria: HA_assertions_20161101. Collection method: research. Allele origin: unknown. Observed: 1 variant allele. Study: CSER-HudsonAlpha.

University of Washington Department of Laboratory Medicine, University of Washington
Classification: Likely pathogenic for Hereditary nonpolyposis colon cancer. Last evaluated: 2015-11-20. Review status: criteria provided, single submitter. Criteria: Shirts et al. (Genet Med 2016). Collection method: clinical testing. Allele origin: germline. Affected: yes. Observed: 1 variant allele.

PreventionGenetics, part of Exact Sciences
Classification: Pathogenic for PMS2-related condition. Last evaluated: 2024-06-07. Review status: no assertion criteria provided. Collection method: clinical testing. Allele origin: germline. Not counted in ClinVar's aggregate classification.
Comment: The PMS2 c.251-2A>T variant is predicted to disrupt the AG splice acceptor site and interfere with normal splicing. This variant has been reported in multiple individuals with Lynch syndrome or various cancers, including lung squamous cell carcinoma and oligodendroglioma (see for example, Table A2, Espenschied et al. 2017. PubMed ID: 28514183; Table S2, Huang et al. 2018. PubMed ID: 29625052; Figure 3, Merchant et al. 2022. PubMed ID: 35982947). This variant is reported in 0.00090% of alleles in individuals of European (non-Finnish) descent in gnomAD and it is classified as pathogenic and likely pathogenic by other institutions in ClinVar. Variants that disrupt the consensus splice acceptor site in PMS2 are expected to be pathogenic. This variant is interpreted as pathogenic.

Counsyl
Classification: Likely pathogenic for Lynch syndrome 4. Last evaluated: 2017-02-16. Review status: no assertion criteria provided. Collection method: clinical testing. Allele origin: unknown. Not counted in ClinVar's aggregate classification.

Department of Pathology and Laboratory Medicine, Sinai Health System
Classification: Pathogenic. Review status: no assertion criteria provided. Collection method: clinical testing. Allele origin: unknown. Affected: yes. Study: The Canadian Open Genetics Repository (COGR). Not counted in ClinVar's aggregate classification.
Comment: The PMS2 c.251-2A>T variant was identified in 1 of 2520 proband chromosomes (frequency: 0.0004) from individuals or families with Lynch syndrome (Yurgelun 2015). The variant was also identified in dbSNP (ID: rs587779340) as "With Likely pathogenic, Pathogenic allele", ClinVar (classified as pathogenic by Ambry genetics, Invitae, GeneDx and two clinical laboratories; as likely benign by two submitters), and in Insight Hereditary Tumors Database (3x ). The variant was not identified in GeneInsight-COGR, Cosmic, or Mismatch Repair Genes Variant, databases. The variant was identified in control databases in 1 of 239164 chromosomes at a frequency of 0.000004 (Genome Aggregation Database Feb 27, 2017). The variant was observed in the European population in 1 of 108456 chromosomes (freq: 0.000009), while the variant was not observed in the African, Other, Latino, Ashkenazi Jewish, East Asian, Finnish, and South Asian populations. The c.251-2A>T variant is predicted to cause abnormal splicing because the nucleotide substitution occurs in the invariant region of the splice consensus sequence. In addition, 4 of 4 in silico or computational prediction software programs (SpliceSiteFinder, MaxEntScan, NNSPLICE, GeneSplicer) predict a greater than 10% difference in splicing. A different variant affecting this nucleotide (c.251-2A>G) classified as pathogenic, has been found in Lynch syndrome patients as biallelic PMS2 gene mutation (Herkert 2011, Senter 2008). In summary, based on the above information this variant meets our laboratoryâ€šÃ„Ã´s criteria to be classified as pathogenic.

Mayo Clinic Laboratories, Mayo Clinic
Classification: Pathogenic. Review status: no assertion criteria provided. Collection method: clinical testing. Allele origin: unknown. Not counted in ClinVar's aggregate classification.

Literature cited by the submitters: PubMed 18602922 (cited by Labcorp Genetics (formerly Invitae), Labcorp and Laboratory for Molecular Medicine, Mass General Brigham Personalized Medicine); PubMed 21376568 (cited by Labcorp Genetics (formerly Invitae), Labcorp and Laboratory for Molecular Medicine, Mass General Brigham Personalized Medicine); PubMed 25980754 (cited by 8 submitters); PubMed 35982947 (cited by 3 submitters); PubMed 33881185 (cited by 3 submitters); PubMed 28514183 (cited by Quest Diagnostics Nichols Institute San Juan Capistrano and Women's Health and Genetics/Laboratory Corporation of America, LabCorp); PubMed 31992580 (cited by 4 submitters); PubMed 26845104 (cited by Women's Health and Genetics/Laboratory Corporation of America, LabCorp and Counsyl).